The following is an entry in ClinVar:

ClinVar aggregate classification (germline): Uncertain significance (1 of 4 stars; one submission).

gnomAD v4.1: 4 of 1,611,988 alleles (0.00025%); highest among the groups gnomAD compares: Non-Finnish European, 0.00034%; no homozygotes.

Submission:

Labcorp Genetics (formerly Invitae), Labcorp
Classification: Uncertain significance. Last evaluated: 2025-09-14. Review status: criteria provided, single submitter. Criteria: Invitae Variant Classification Sherloc (09022015). Collection method: clinical testing. Allele origin: germline.
Comment: This sequence change falls in intron 8 of the MYH7B gene. It does not directly change the encoded amino acid sequence of the MYH7B protein. It affects a nucleotide within the consensus splice site. This variant is present in population databases (rs749083292, gnomAD 0.002%). This variant has not been reported in the literature in individuals affected with MYH7B-related conditions. Variants that disrupt the consensus splice site are a relatively common cause of aberrant splicing (PMID: 17576681, 9536098). Algorithms developed to predict the effect of sequence changes on RNA splicing suggest that this variant may disrupt the consensus splice site. In summary, the available evidence is currently insufficient to determine the role of this variant in disease. Therefore, it has been classified as a Variant of Uncertain Significance.

Literature cited by the submitters: PubMed 17576681; PubMed 9536098.

NM_020884.7(MYH7B):c.499+5G>A

Gene: MYH7B (myosin heavy chain 7B; plus strand). Cytogenetic location: 20q11.22.
Variant type: single nucleotide variant.
Coding change: c.499+5G>A on transcript NM_020884.7 (MANE Select); 5 bases into the intron after coding-DNA position 499, G replaced by A.
Molecular consequence: intron variant.
Genome position (GRCh38, 1-based): chr20:34,980,739, G>A. VCF-style: chr20-34980739-G-A. GRCh37 (hg19) VCF-style: chr20-33568542-G-A.
Identifiers: ClinVar variation 4752540 (VCV004752540.1).
Genomic context (GRCh38, chr20:34,980,739, plus strand): 5'-TTCCCCGCCCCATATATATGCGGTGGCGGACAACGCCTACAACGACATGCTGCGCAGTAA[G>A]GGCCGCCTGGACTCCTCCCCAACCGCAGACCCCGACCTCGGTCCCGGGAGGCCTCTGTAA-3'